The following is an entry in ClinVar:

NM_006939.4(SOS2):c.3626G>A (p.Arg1209Lys)

Gene: SOS2 (SOS Ras/Rho guanine nucleotide exchange factor 2; minus strand). Cytogenetic location: 14q21.3.
Variant type: single nucleotide variant.
Coding change: c.3626G>A on transcript NM_006939.4 (MANE Select); coding-DNA position 3626, G replaced by A.
Protein change: p.Arg1209Lys; replaces arginine 1209 with lysine.
Molecular consequence: missense variant.
Genome position (GRCh38, 1-based): chr14:50,118,717, C>T on the plus strand (G>A on the coding strand, the complement: SOS2 is on the minus strand). VCF-style: chr14-50118717-C-T. GRCh37 (hg19) VCF-style: chr14-50585435-C-T.
Other names: c.3527G>A, p.Arg1176Lys (NM_001411020.1); short protein forms R1176K, R1209K.
Identifiers: ClinVar variation 1712015 (VCV001712015.2), dbSNP rs2502758306, ClinGen allele CA389638507.

ClinVar aggregate classification (germline): Uncertain significance (1 of 4 stars; one submission).

Submission:

GeneDx
Classification: Uncertain significance. Last evaluated: 2022-04-11. Review status: criteria provided, single submitter. Criteria: GeneDx Variant Classification Process June 2021. Collection method: clinical testing. Allele origin: germline. Affected: yes.
Comment: Not observed at significant frequency in large population cohorts (gnomAD); In silico analysis supports that this missense variant does not alter protein structure/function; Has not been previously published as pathogenic or benign to our knowledge